The following is an entry in ClinVar:

ClinVar aggregate classification (germline): Uncertain significance (1 of 4 stars; one submission).

Conditions:
Hypertrophic cardiomyopathy 14. Identifiers: MedGen C2750467, MONDO:0013197, OMIM 613251.

Allele frequency attached by ClinVar (database versions not stated): gnomAD exomes below 0.00001.

Submission:

Labcorp Genetics (formerly Invitae), Labcorp
Classification: Uncertain significance for Hypertrophic cardiomyopathy 14. Last evaluated: 2018-04-25. Review status: criteria provided, single submitter. Criteria: Invitae Variant Classification Sherloc (09022015). Collection method: clinical testing. Allele origin: germline.
Comment: In summary, the available evidence is currently insufficient to determine the role of this variant in disease. Therefore, it has been classified as a Variant of Uncertain Significance. Algorithms developed to predict the effect of missense changes on protein structure and function do not agree on the potential impact of this missense change (SIFT: "Deleterious"; PolyPhen-2: "Possibly Damaging"; Align-GVGD: "Class C0"). This variant has not been reported in the literature in individuals with MYH6-related disease. This variant is not present in population databases (ExAC no frequency). This sequence change replaces glutamine with lysine at codon 909 of the MYH6 protein (p.Gln909Lys). The glutamine residue is weakly conserved and there is a small physicochemical difference between glutamine and lysine.

NM_002471.4(MYH6):c.2725C>A (p.Gln909Lys)

Gene: MYH6 (myosin heavy chain 6; minus strand). Cytogenetic location: 14q11.2.
Variant type: single nucleotide variant.
Coding change: c.2725C>A on transcript NM_002471.4 (MANE Select); coding-DNA position 2725, C replaced by A.
Protein change: p.Gln909Lys; replaces glutamine 909 with lysine.
Molecular consequence: missense variant.
Genome position (GRCh38, 1-based): chr14:23,393,869, G>T on the plus strand (C>A on the coding strand, the complement: MYH6 is on the minus strand). VCF-style: chr14-23393869-G-T. GRCh37 (hg19) VCF-style: chr14-23863078-G-T.
Other names: short protein forms Q909K.
Identifiers: ClinVar variation 582008 (VCV000582008.8), dbSNP rs1566510145, ClinGen allele CA389013202.
Genomic context (GRCh38, chr14:23,393,869, plus strand): 5'-CCAGCCTCTCATTCATCTCCTTTACTTTGGCCTCCAGCTGAATCTTGTTTTTGATCAGCT[G>T]GTCGCAGCGCTCCTCAGCATCATTGAGGTTGTCTTGTTCCTGGGAGAAGAGAACAGGGAG-3'
Protein context (NP_002462.2, residues 899-919): NLNDAEERCD[Gln909Lys]LIKNKIQLEA